The following is an entry in ClinVar:

ClinVar aggregate classification (germline): Pathogenic/Likely pathogenic. Review status: criteria provided, multiple submitters, no conflicts (2 of 4 stars). 4 submissions from 4 submitters: Pathogenic (3); Likely pathogenic (1). Last evaluated 2024-06-07.

Conditions:
Biotinidase deficiency. Also called: BTD deficiency; Late-onset biotin-responsive multiple carboxylase deficiency; Biotin deficiency. Identifiers: Orphanet 79241, MedGen C0220754, MONDO:0009665, OMIM 253260.

Allele frequency attached by ClinVar (database versions not stated): gnomAD exomes below 0.00001; TOPMed 0.00002; gnomAD 0.00003.

Submissions (4):

Fulgent Genetics
Classification: Likely pathogenic for Biotinidase deficiency. Last evaluated: 2024-06-07. Review status: criteria provided, single submitter. Criteria: ACMG Guidelines, 2015. Collection method: clinical testing. Allele origin: germline.

Labcorp Genetics (formerly Invitae), Labcorp
Classification: Pathogenic for Biotinidase deficiency. Last evaluated: 2023-09-10. Review status: criteria provided, single submitter. Criteria: Invitae Variant Classification Sherloc (09022015). Collection method: clinical testing. Allele origin: germline.
Comment: This sequence change creates a premature translational stop signal (p.Gly367Glnfs*23) in the BTD gene. While this is not anticipated to result in nonsense mediated decay, it is expected to disrupt the last 177 amino acid(s) of the BTD protein. This variant is present in population databases (no rsID available, gnomAD 0.02%). This premature translational stop signal has been observed in individual(s) with biotinidase deficiency (PMID: 26810761). ClinVar contains an entry for this variant (Variation ID: 1330018). This variant disrupts a region of the BTD protein in which other variant(s) (p.Leu498Phefs*13) have been determined to be pathogenic (PMID: 17382128, 19728141, 29359854). This suggests that this is a clinically significant region of the protein, and that variants that disrupt it are likely to be disease-causing. For these reasons, this variant has been classified as Pathogenic.

Baylor Genetics
Classification: Pathogenic for Biotinidase deficiency. Last evaluated: 2023-07-28. Review status: criteria provided, single submitter. Criteria: ACMG Guidelines, 2015. Collection method: clinical testing. Allele origin: unknown.

Quest Diagnostics Nichols Institute San Juan Capistrano
Classification: Pathogenic. Last evaluated: 2020-10-28. Review status: criteria provided, single submitter. Criteria: Quest Diagnostics criteria. Collection method: clinical testing. Allele origin: unknown.
Comment: The frameshift variant causes the premature termination of BTD protein synthesis. It has been reported in an individual with biotinidase deficiency in the published literature (PMID: 26810761 (2016))). The frequency of this variant in the general population is consistent with pathogenicity. Therefore, the variant is classified as pathogenic.

Literature cited by the submitters: PubMed 26810761 (cited by Labcorp Genetics (formerly Invitae), Labcorp and Quest Diagnostics Nichols Institute San Juan Capistrano); PubMed 17382128 (cited by Labcorp Genetics (formerly Invitae), Labcorp); PubMed 19728141 (cited by Labcorp Genetics (formerly Invitae), Labcorp); PubMed 29359854 (cited by Labcorp Genetics (formerly Invitae), Labcorp).

NM_001370658.1(BTD):c.1036_1037dup (p.Gly347fs)

Gene: BTD (biotinidase; plus strand). Cytogenetic location: 3p25.1.
Variant type: Duplication.
Coding change: c.1036_1037dup on transcript NM_001370658.1 (MANE Select); coding-DNA positions 1036 to 1037, 2 bases duplicated (TC; older notation c.1036_1037dupTC).
Protein change: p.Gly347fs; shifts the reading frame from glycine 347.
Molecular consequence: frameshift variant. On other transcripts: intron variant (2).
Genome position (GRCh38, 1-based): chr3:15,644,952-15,644,953, TC duplicated. VCF-style (leftmost placement, unchanged base first): chr3-15644951-G-GTC. GRCh37 (hg19) VCF-style: chr3-15686458-G-GTC.
Other names: c.1036_1037dup, p.Gly347Glnfs (NM_001407365.1, NM_001407366.1, NM_001407372.1 and 15 more transcripts); c.1096_1097dup, p.Gly367Glnfs (NM_000060.4); c.1036_1037dup, p.Gly347fs (NM_001281724.3); c.1015+21_1015+22dup (NM_001370752.1); c.399+2895_399+2896dup (NM_001370753.1); short protein forms G347fs.
Identifiers: ClinVar variation 1330018 (VCV001330018.7), dbSNP rs1004027979, ClinGen allele CA70622524.
Genomic context (GRCh38, chr3:15,644,951, plus strand): 5'-TGGTGCAGAGAATGCAACAGGTGAAACGGACCCATCCCATAGTAAGTTTTTAAAAATTTT[G>GTC]TCAGGCGATCCGTACTGTGAGAAGGATGCTCAGGAAGTCCACTGTGATGAGGCCACCAAG-3'